The following is an entry in ClinVar:

NM_000214.3(JAG1):c.564T>A (p.Asp188Glu)

Gene: JAG1 (jagged canonical Notch ligand 1; minus strand). Cytogenetic location: 20p12.2.
Variant type: single nucleotide variant.
Coding change: c.564T>A on transcript NM_000214.3 (MANE Select); coding-DNA position 564, T replaced by A.
Protein change: p.Asp188Glu; replaces aspartic acid 188 with glutamic acid.
Molecular consequence: missense variant.
Genome position (GRCh38, 1-based): chr20:10,658,598, A>T on the plus strand (T>A on the coding strand, the complement: JAG1 is on the minus strand). VCF-style: chr20-10658598-A-T. GRCh37 (hg19) VCF-style: chr20-10639246-A-T.
Other names: short protein forms D188E.
Identifiers: ClinVar variation 3573334 (VCV003573334.2).

Conditions:
Arteriohepatic dysplasia. Also called: Alagille Syndrome. Identifiers: Orphanet 52, MedGen C0085280, MeSH D016738, MONDO:0007318.

Submission:

Gilbert/Spinner Lab, Children's Hospital of Philadelphia
No classification provided (evidence only). Condition: Alagille syndrome. Review status: no classification provided. Collection method: research. Allele origin: not applicable. Functional consequence: functionally_abnormal.
ClinVar note: "not provided" was previously submitted as the classification for the variant. However, the classification appeared to be based only on an observation of functional data so it was converted to no classification on 2025-07-30.